The following is an entry in ClinVar:

ClinVar aggregate classification (germline): Pathogenic (1 of 4 stars; one submission).

Conditions:
Wilms tumor 1 (WT1). Also called: Wilms tumor, somatic. Identifiers: Orphanet 654, MedGen CN033288, MONDO:0008679, OMIM 194070.

Submission:

St. Jude Molecular Pathology, St. Jude Children's Research Hospital
Classification: Pathogenic for Wilms tumor 1. Last evaluated: 2026-10-01. Review status: criteria provided, single submitter. Criteria: St. Jude Assertion Criteria 2020. Collection method: clinical testing. Allele origin: germline.
Comment: The WT1 c.825C>A p.(Cys275Ter) change is a nonsense variant that is predicted to cause premature protein truncation or absence of protein due to nonsense-mediated decay. This variant is absent in gnomAD v2.1.1. In s ummary, this variant meets criteria to be classified as pathogenic.

NM_024426.6(WT1):c.825C>A (p.Cys275Ter)

Gene: WT1 (WT1 transcription factor; minus strand). Cytogenetic location: 11p13.
Variant type: single nucleotide variant.
Coding change: c.825C>A on transcript NM_024426.6 (MANE Select); coding-DNA position 825, C replaced by A.
Protein change: p.Cys275Ter; replaces cysteine 275 with a stop codon.
Molecular consequence: nonsense. On other transcripts: non-coding transcript variant (2).
Genome position (GRCh38, 1-based): chr11:32,428,018, G>T on the plus strand (C>A on the coding strand, the complement: WT1 is on the minus strand). VCF-style: chr11-32428018-G-T. GRCh37 (hg19) VCF-style: chr11-32449564-G-T.
Other names: c.825C>A, p.Cys275Ter (NM_000378.6, NM_001407044.1, NM_001407045.1 and 4 more transcripts); c.174C>A, p.Cys58Ter (NM_001198551.2, NM_001198552.2); c.702C>A, p.Cys234Ter (NM_001407047.1, NM_001407050.1); c.63C>A, p.Cys21Ter (NM_001407051.1); c.606C>A, p.Cys202Ter (NM_001429031.1, NM_001429032.1, NM_001429033.1 and 1 more transcripts); short protein forms C202*, C21*, C234*, C270*, C275*, C58*.
Identifiers: ClinVar variation 5038407 (VCV005038407.1).
Genomic context (GRCh38, chr11:32,428,018, plus strand): 5'-GCTGTAGGGCGTCCTCAGCAGCAAAGCCTGGCTGCCGGTGCAGCTGTCGGTGGGGGTGTG[G>T]CAGCCATAGACCGGGGGCGGCACCGAGTACTGCTGCTCACCTGCAGAGAGAACCGAAGAC-3'